The following is an entry in ClinVar:

NM_145728.3(SYNM):c.3173C>T (p.Ala1058Val)

Gene: SYNM (synemin; plus strand). Cytogenetic location: 15q26.3.
Variant type: single nucleotide variant.
Coding change: c.3173C>T on transcript NM_145728.3 (MANE Select); coding-DNA position 3173, C replaced by T.
Protein change: p.Ala1058Val; replaces alanine 1058 with valine.
Molecular consequence: missense variant.
Genome position (GRCh38, 1-based): chr15:99,131,533, C>T. VCF-style: chr15-99131533-C-T. GRCh37 (hg19) VCF-style: chr15-99671738-C-T.
Other names: c.3173C>T, p.Ala1058Val (NM_015286.6); short protein forms A1058V.
Identifiers: ClinVar variation 3041056 (VCV003041056.1), dbSNP rs1555485913, ClinGen allele CA393667725.

ClinVar aggregate classification (germline): Likely benign (1 of 4 stars; one submission).

Conditions:
SYNM-related disorder. Also called: SYNM-related condition.

Submission:

PreventionGenetics, part of Exact Sciences
Classification: Likely benign for SYNM-related condition. Last evaluated: 2019-02-25. Review status: criteria provided, single submitter. Criteria: ACMG Guidelines, 2015. Collection method: clinical testing. Allele origin: germline.
Comment: This variant is classified as likely benign based on ACMG/AMP sequence variant interpretation guidelines (Richards et al. 2015 PMID: 25741868, with internal and published modifications).